The following is an entry in ClinVar:

NM_014319.5(LEMD3):c.1810A>G (p.Asn604Asp)

Gene: LEMD3 (LEM domain containing 3; plus strand). Cytogenetic location: 12q14.3.
Variant type: single nucleotide variant.
Coding change: c.1810A>G on transcript NM_014319.5 (MANE Select); coding-DNA position 1810, A replaced by G.
Protein change: p.Asn604Asp; replaces asparagine 604 with aspartic acid.
Molecular consequence: missense variant.
Genome position (GRCh38, 1-based): chr12:65,238,703, A>G. VCF-style: chr12-65238703-A-G. GRCh37 (hg19) VCF-style: chr12-65632483-A-G.
Other names: c.1807A>G, p.Asn603Asp (NM_001167614.2); c.1810A>G (NM_014319.4); short protein forms N603D, N604D.
Identifiers: ClinVar variation 1439427 (VCV001439427.8), dbSNP rs185283829, ClinGen allele CA6671047.

ClinVar aggregate classification (germline): Uncertain significance. Review status: criteria provided, multiple submitters, no conflicts (2 of 4 stars). 2 submissions from 2 submitters: Uncertain significance (2). Last evaluated 2025-03-08.

Conditions:
Inborn genetic diseases. Identifiers: MedGen C0950123, MeSH D030342.

Allele frequency attached by ClinVar (database versions not stated): gnomAD exomes 0.00001 and 0.00004; gnomAD 0.00002 and 0.00004; ExAC 0.00003; TOPMed 0.00003; 1000 Genomes Project 0.00040; 1000 Genomes Project 30x 0.00062.
gnomAD v4.1: 30 of 1,614,086 alleles (0.0019%); highest among the groups gnomAD compares: East Asian, 0.025%; no homozygotes.

Submissions (2):

Ambry Genetics
Classification: Uncertain significance for Inborn genetic diseases. Last evaluated: 2025-03-08. Review status: criteria provided, single submitter. Criteria: Ambry Variant Classification Scheme 2023. Collection method: clinical testing. Allele origin: germline.

Labcorp Genetics (formerly Invitae), Labcorp
Classification: Uncertain significance. Last evaluated: 2025-03-01. Review status: criteria provided, single submitter. Criteria: Invitae Variant Classification Sherloc (09022015). Collection method: clinical testing. Allele origin: germline.
Comment: This sequence change replaces asparagine, which is neutral and polar, with aspartic acid, which is acidic and polar, at codon 604 of the LEMD3 protein (p.Asn604Asp). This variant is present in population databases (rs185283829, gnomAD 0.03%). This variant has not been reported in the literature in individuals affected with LEMD3-related conditions. ClinVar contains an entry for this variant (Variation ID: 1439427). Invitae Evidence Modeling of protein sequence and biophysical properties (such as structural, functional, and spatial information, amino acid conservation, physicochemical variation, residue mobility, and thermodynamic stability) indicates that this missense variant is not expected to disrupt LEMD3 protein function with a negative predictive value of 80%. In summary, the available evidence is currently insufficient to determine the role of this variant in disease. Therefore, it has been classified as a Variant of Uncertain Significance.